The following is an entry in ClinVar:

NM_001278116.2(L1CAM):c.1380-2A>T

Gene: L1CAM (L1 cell adhesion molecule; minus strand). Cytogenetic location: Xq28.
Variant type: single nucleotide variant.
Coding change: c.1380-2A>T on transcript NM_001278116.2 (MANE Select); the canonical splice acceptor site of the intron before coding-DNA position 1380, A replaced by T.
Molecular consequence: splice acceptor variant.
Genome position (GRCh38, 1-based): chrX:153,868,729, T>A on the plus strand (A>T on the coding strand, the complement: L1CAM is on the minus strand). VCF-style: chrX-153868729-T-A. GRCh37 (hg19) VCF-style: chrX-153134184-T-A.
Other names: c.1365-2A>T (NM_001143963.2); c.1380-2A>T (NM_024003.3, NM_000425.5).
Identifiers: ClinVar variation 2020452 (VCV002020452.4), dbSNP rs2521003842, ClinGen allele CA415126500.

ClinVar aggregate classification (germline): Likely pathogenic (1 of 4 stars; one submission).

Conditions:
Spastic paraplegia. Identifiers: MedGen C0037772, HP:0001258.

Submission:

Labcorp Genetics (formerly Invitae), Labcorp
Classification: Likely pathogenic for Spastic paraplegia. Last evaluated: 2022-08-01. Review status: criteria provided, single submitter. Criteria: Invitae Variant Classification Sherloc (09022015). Collection method: clinical testing. Allele origin: germline.
Comment: This sequence change affects an acceptor splice site in intron 11 of the L1CAM gene. It is expected to disrupt RNA splicing. Variants that disrupt the donor or acceptor splice site typically lead to a loss of protein function (PMID: 16199547), and loss-of-function variants in L1CAM are known to be pathogenic (PMID: 19846429). This variant has not been reported in the literature in individuals affected with L1CAM-related conditions. This variant is not present in population databases (gnomAD no frequency). Algorithms developed to predict the effect of sequence changes on RNA splicing suggest that this variant may disrupt the consensus splice site. In summary, the currently available evidence indicates that the variant is pathogenic, but additional data are needed to prove that conclusively. Therefore, this variant has been classified as Likely Pathogenic.

Literature cited by the submitters: PubMed 16199547; PubMed 19846429.